The following is an entry in ClinVar:

ClinVar aggregate classification (germline): Pathogenic. Review status: criteria provided, multiple submitters, no conflicts (2 of 4 stars). 10 submissions from 10 submitters: Pathogenic (9). 1 of the submissions does not count toward it. Last evaluated 2025-07-29.

Conditions:
Hereditary cancer-predisposing syndrome. Also called: Neoplastic Syndromes, Hereditary; Tumor predisposition; Hereditary neoplastic syndrome; Hereditary Cancer Syndrome. Identifiers: Orphanet 140162, MedGen C0027672, MeSH D009386, MONDO:0015356.
Multiple endocrine neoplasia, type 2 (MEN2). Identifiers: Orphanet 653, MedGen C4048306, MONDO:0019003. Disease mechanism: gain of function.
MEN2 phenotype: Unclassified. Identifiers: MedGen CN311636.
Multiple endocrine neoplasia type 2A. Also called: MULTIPLE ENDOCRINE NEOPLASIA, TYPE IIA; PTC SYNDROME; SIPPLE SYNDROME; MEN 2A; MEN-2A syndrome; Pheochromocytoma and amyloid producing medullary thyroid carcinoma. Identifiers: Orphanet 247698, Orphanet 653, MedGen C0025268, MeSH D018813, MONDO:0008234, OMIM 171400.
Familial medullary thyroid carcinoma (MTC). Also called: Thyroid cancer, familial medullary; MTC, familial; Familial Medullary Thyroid Carcinoma (FMTC). Identifiers: Orphanet 653, Orphanet 99361, MedGen C1833921, MONDO:0007958, OMIM 155240.

Submissions 1 to 6 of 10:

Mayo Clinic Laboratories, Mayo Clinic
Classification: Pathogenic. Last evaluated: 2025-07-29. Review status: criteria provided, single submitter. Criteria: ACMG Guidelines, 2015. Collection method: clinical testing. Allele origin: germline. Observed: 1 variant allele.
Comment: PP1_strong, PP3_strong, PP5, PM2_supporting, PM5, PS4_moderate

Women's Health and Genetics/Laboratory Corporation of America, LabCorp
Classification: Pathogenic for MEN2 phenotype: Unclassified. Last evaluated: 2024-09-03. Review status: criteria provided, single submitter. Criteria: LabCorp Variant Classification Summary - May 2015. Collection method: clinical testing. Allele origin: germline.
Comment: Variant summary: RET c.1859G>C (p.Cys620Ser) results in a non-conservative amino acid change in the encoded protein sequence. Four of five in-silico tools predict a damaging effect of the variant on protein function. The variant was absent in 248804 control chromosomes. c.1859G>C has been reported in the literature in multiple individuals affected with Multiple Endocrine Neoplasia Type 2 or Hirschsprung Disease (e.g. Schuffenecker_1994, Frank-Raue_2011, Lore_2000). These data indicate that the variant is very likely to be associated with disease. A different variant affecting the same codon has been classified as pathogenic by our lab (c.1858T>C, p.Cys620Arg), supporting the critical relevance of codon 620 to RET protein function. The following publications have been ascertained in the context of this evaluation (PMID: 20979234, 9230192, 10777380, 7874109). ClinVar contains an entry for this variant (Variation ID: 13943). Based on the evidence outlined above, the variant was classified as pathogenic.

Labcorp Genetics (formerly Invitae), Labcorp
Classification: Pathogenic for Multiple endocrine neoplasia, type 2. Last evaluated: 2024-03-27. Review status: criteria provided, single submitter. Criteria: Invitae Variant Classification Sherloc (09022015). Collection method: clinical testing. Allele origin: germline.
Comment: This sequence change replaces cysteine, which is neutral and slightly polar, with serine, which is neutral and polar, at codon 620 of the RET protein (p.Cys620Ser). This variant is not present in population databases (gnomAD no frequency). This missense change has been observed in individuals with Hirschsprung disease and/or multiple endocrine neoplasia type 2 (PMID: 10777380, 11471675, 14517954). It has also been observed to segregate with disease in related individuals. ClinVar contains an entry for this variant (Variation ID: 13943). An algorithm developed to predict the effect of missense changes on protein structure and function (PolyPhen-2) suggests that this variant is likely to be disruptive. Experimental studies have shown that this missense change affects RET function (PMID: 9230192). This variant disrupts the p.Cys620 amino acid residue in RET. Other variant(s) that disrupt this residue have been determined to be pathogenic (PMID: 7874109, 8909322, 16705552, 20979234, 21765987). This suggests that this residue is clinically significant, and that variants that disrupt this residue are likely to be disease-causing. For these reasons, this variant has been classified as Pathogenic.

All of Us Research Program, National Institutes of Health
Classification: Pathogenic for Multiple endocrine neoplasia, type 2. Last evaluated: 2024-03-24. Review status: criteria provided, single submitter. Criteria: ACMG Guidelines, 2015. Collection method: clinical testing. Allele origin: germline. Inheritance: Autosomal dominant inheritance. Observed: 1 variant allele, 1 heterozygote.
Comment: This missense variant replaces cysteine with serine at codon 620 of the RET protein. Computational prediction suggests that this variant may have deleterious impact on protein structure and function (internally defined REVEL score threshold >= 0.7, PMID: 27666373). To our knowledge, functional studies have not been reported for this variant. This variant has been reported in more than 10 individuals affected with medullary thyroid carcinoma, pheochromocytoma, and/or multiple endocrine neoplasia type 2A (PMID: 10777380, 14517954, 24805091, 7874109, 10549772, 10777380, 11471675, 11454140, 14517954, 18062802, 20979234, 24805091, 28946813, 29656518, 33827484, 37529773). It has been shown that this variant segregates with medullary thyroid cancer in multiple families (PMID: 10777380, 14517954, 24805091). This variant has not been identified in the general population by the Genome Aggregation Database (gnomAD). Different variants affecting the same codon, c.1858T>G (p.Cys620Gly), c.1858T>C (p.Cys620Arg), c.1859G>T (p.Cys620Phe), c.1859G>A (p.Cys620Tyr), and c.1860C>G (p.Cys620Trp), are well-documented pathogenic variants (ClinVar Variation ID: 24905, 13915, 13928, 13916, 13934), indicating that Cys at this position is important for RET protein function. Based on the available evidence, this variant is classified as Pathogenic.

This study involves interpretation of variants in research participants for the purpose of population health screening. Participant phenotype was not available at the time of variant classification. Additional details can be found in publication PMID: 35346344, PMCID: PMC8962531

Myriad Genetics, Inc.
Classification: Pathogenic for Multiple endocrine neoplasia type 2A. Last evaluated: 2024-01-05. Review status: criteria provided, single submitter. Criteria: Myriad Autosomal Dominant, Autosomal Recessive and X-Linked Classification Criteria (2023). Collection method: clinical testing. Allele origin: unknown.
Comment: This variant is considered pathogenic. Functional studies indicate this variant impacts protein function [PMID: 9230192]. This variant has been reported in multiple individuals with clinical features of gene-specific disease [PMID: 22584715, 20979234, 9681852, 24805091, 25810047].

Ambry Genetics
Classification: Pathogenic for Hereditary cancer-predisposing syndrome. Last evaluated: 2022-12-29. Review status: criteria provided, single submitter. Criteria: Ambry Variant Classification Scheme 2023. Collection method: clinical testing. Allele origin: germline.
Comment: The p.C620S pathogenic mutation (also known as c.1859G>C), located in coding exon 10 of the RET gene, results from a G to C substitution at nucleotide position 1859. The cysteine at codon 620 is replaced by serine, an amino acid with dissimilar properties. This alteration has been detected in multiple patients with medullary thyroid carcinoma (MTC) and segregated in a family with familial medullary thyroid carcinoma (FMTC) and Hirschsprung's disease (Schuffenecker I et al. Hum. Mol. Genet. 1994 Nov;3(11):1939-43; Igarashi T et al. J Nippon Med Sch, 2014;81:64-9; Machens A et al. Hum. Mutat., 2018 Jun;39:860-869). The American Thyroid Association provides management guidelines for individuals with mutations at codon 620 (Kloos RT et al. Thyroid. 2009 Jun;19(6):565-612). Based on the supporting evidence, this alteration is pathogenic for MEN2; however, the association of this alteration with Hirschsprung disease is unknown.

NM_020975.6(RET):c.1859G>C (p.Cys620Ser)

Gene: RET (ret proto-oncogene; plus strand). Cytogenetic location: 10q11.21.
Variant type: single nucleotide variant.
Coding change: c.1859G>C on transcript NM_020975.6 (MANE Select); coding-DNA position 1859, G replaced by C.
Protein change: p.Cys620Ser; replaces cysteine 620 with serine.
Molecular consequence: missense variant.
Genome position (GRCh38, 1-based): chr10:43,113,655, G>C. VCF-style: chr10-43113655-G-C. GRCh37 (hg19) VCF-style: chr10-43609103-G-C.
Other names: c.1133G>C, p.Cys378Ser (NM_001406775.1, NM_001406776.1, NM_001406777.1 and 1 more transcripts); c.962G>C, p.Cys321Ser (NM_001406779.1, NM_001406780.1, NM_001406781.1 and 2 more transcripts); c.833G>C, p.Cys278Ser (NM_001406783.1, NM_001406786.1); c.869G>C, p.Cys290Ser (NM_001406784.1); c.1859G>C, p.Cys620Ser (NM_000323.2, NM_001406743.1, NM_001406744.1 and 6 more transcripts); c.1097G>C, p.Cys366Ser (NM_001355216.2); c.1730G>C, p.Cys577Ser (NM_001406761.1, NM_001406762.1, NM_001406764.1 and 1 more transcripts); c.1571G>C, p.Cys524Ser (NM_001406766.1, NM_001406767.1, NM_001406770.1); and 5 more; short protein forms C620S, C366S, C225S, C278S, C137S, C474S, C290S, C321S.
Identifiers: ClinVar variation 13943 (VCV000013943.25), dbSNP rs77503355, ClinGen allele CA008085.